The following is an entry in ClinVar:

ClinVar aggregate classification (germline): Uncertain significance (1 of 4 stars; one submission).

Conditions:
Cardiovascular phenotype. Identifiers: MedGen CN230736.

Submission:

Ambry Genetics
Classification: Uncertain significance for Cardiovascular phenotype. Last evaluated: 2023-03-07. Review status: criteria provided, single submitter. Criteria: Ambry Variant Classification Scheme 2023. Collection method: clinical testing. Allele origin: germline.
Comment: The p.M2260K variant (also known as c.6779T>A), located in coding exon 18 of the TNXB gene, results from a T to A substitution at nucleotide position 6779. The methionine at codon 2260 is replaced by lysine, an amino acid with similar properties. This amino acid position is conserved. In addition, this alteration is predicted to be deleterious by in silico analysis. Since supporting evidence is limited at this time, the clinical significance of this alteration remains unclear.

NM_001365276.2(TNXB):c.6779T>A (p.Met2260Lys)

Gene: TNXB (tenascin XB; minus strand). Cytogenetic location: 6p21.33.
Variant type: single nucleotide variant.
Coding change: c.6779T>A on transcript NM_001365276.2 (MANE Select); coding-DNA position 6779, T replaced by A.
Protein change: p.Met2260Lys; replaces methionine 2260 with lysine.
Molecular consequence: missense variant.
Genome position (GRCh38, 1-based): chr6:32,064,883, A>T on the plus strand (T>A on the coding strand, the complement: TNXB is on the minus strand). VCF-style: chr6-32064883-A-T. GRCh37 (hg19) VCF-style: chr6-32032660-A-T.
Other names: c.6779T>A, p.Met2260Lys (NM_019105.8); short protein forms M2260K.
Identifiers: ClinVar variation 2451202 (VCV002451202.2), dbSNP rs2483536647, ClinGen allele CA363555079.